The following is an entry in ClinVar:

ClinVar aggregate classification (germline): Uncertain significance (1 of 4 stars; one submission).

gnomAD v4.1: 8 of 1,529,112 alleles (0.00052%); highest among the groups gnomAD compares: South Asian, 0.0092%; no homozygotes.

Submission:

GeneDx
Classification: Uncertain significance. Last evaluated: 2025-05-29. Review status: criteria provided, single submitter. Criteria: GeneDx Variant Classification Process June 2021. Collection method: clinical testing. Allele origin: germline. Affected: yes.
Comment: Not observed at significant frequency in large population cohorts (gnomAD); In silico analysis suggests that this missense variant does not alter protein structure/function; Has not been previously published as pathogenic or benign to our knowledge

NM_015202.5(KATNIP):c.2630C>G (p.Thr877Ser)

Gene: KATNIP (katanin interacting protein; plus strand). Cytogenetic location: 16p12.1.
Variant type: single nucleotide variant.
Coding change: c.2630C>G on transcript NM_015202.5 (MANE Select); coding-DNA position 2630, C replaced by G.
Protein change: p.Thr877Ser; replaces threonine 877 with serine.
Molecular consequence: missense variant.
Genome position (GRCh38, 1-based): chr16:27,749,590, C>G. VCF-style: chr16-27749590-C-G. GRCh37 (hg19) VCF-style: chr16-27760911-C-G.
Other names: short protein forms T877S.
Identifiers: ClinVar variation 4532548 (VCV004532548.1).